The following is an entry in ClinVar:

NM_017514.5(PLXNA3):c.5570G>A (p.Arg1857Gln)

Gene: PLXNA3 (plexin A3; plus strand). Cytogenetic location: Xq28.
Variant type: single nucleotide variant.
Coding change: c.5570G>A on transcript NM_017514.5 (MANE Select); coding-DNA position 5570, G replaced by A.
Protein change: p.Arg1857Gln; replaces arginine 1857 with glutamine.
Molecular consequence: missense variant.
Genome position (GRCh38, 1-based): chrX:154,472,639, G>A. VCF-style: chrX-154472639-G-A. GRCh37 (hg19) VCF-style: chrX-153700982-G-A.
Other names: short protein forms R1857Q.
Identifiers: ClinVar variation 2269566 (VCV002269566.5), dbSNP rs201267859, ClinGen allele CA10565160.

ClinVar aggregate classification (germline): Uncertain significance. Review status: criteria provided, multiple submitters, no conflicts (2 of 4 stars). 2 submissions from 2 submitters: Uncertain significance (2). Last evaluated 2026-08-04.

Conditions:
PLXNA3-related disorder. Also called: PLXNA3-related condition.

Allele frequency attached by ClinVar (database versions not stated): ESP Exome Variant Server 0.00009; gnomAD 0.00010; TOPMed 0.00013; ExAC 0.00017.
gnomAD v4.1: 174 of 1,207,014 alleles (0.014%); highest among the groups gnomAD compares: Middle Eastern, 0.65%; no homozygotes.

Submissions (2):

PreventionGenetics, part of Exact Sciences
Classification: Uncertain significance for PLXNA3-related condition. Last evaluated: 2026-08-04. Review status: criteria provided, single submitter. Criteria: ACMG Guidelines, 2015. Collection method: clinical testing. Allele origin: germline.
Comment: The PLXNA3 c.5570G>A variant is predicted to result in the amino acid substitution p.Arg1857Gln. This variant is reported in 0.024% of alleles in individuals of European (non-Finnish) descent in gnomAD, including 13 hemizygotes. Although we suspect that this variant may be benign, at this time, the clinical significance of this variant is uncertain due to the absence of conclusive functional and genetic evidence.

Ambry Genetics
Classification: Uncertain significance. Last evaluated: 2021-07-13. Review status: criteria provided, single submitter. Criteria: Ambry Variant Classification Scheme 2023. Collection method: clinical testing. Allele origin: germline.